The following is an entry in ClinVar:

ClinVar aggregate classification (germline): Uncertain significance. Review status: criteria provided, multiple submitters, no conflicts (2 of 4 stars). 3 submissions from 3 submitters: Uncertain significance (3). Last evaluated 2025-02-24.

Conditions:
Wiedemann-Steiner syndrome (WDSTS). Also called: Growth deficiency and mental retardation with facial dysmorphism. Identifiers: Orphanet 319182, MedGen C1854630, MONDO:0011518, OMIM 605130.

Submissions (3):

Women's Health and Genetics/Laboratory Corporation of America, LabCorp
Classification: Uncertain significance. Last evaluated: 2025-02-24. Review status: criteria provided, single submitter. Criteria: LabCorp Variant Classification Summary - May 2015. Collection method: clinical testing. Allele origin: germline.
Comment: Variant summary: KMT2A c.11366G>A (p.Arg3789His) results in a non-conservative amino acid change in the encoded protein sequence. Five of five in-silico tools predict a damaging effect of the variant on protein function. The frequency data for this variant in gnomAD is considered unreliable, as metrics indicate poor data quality at this position. To our knowledge, no occurrence of c.11366G>A in individuals affected with Wiedemann-Steiner Syndrome and no experimental evidence demonstrating its impact on protein function have been reported. ClinVar contains an entry for this variant (Variation ID: 1709299). Based on the evidence outlined above, the variant was classified as uncertain significance.

Labcorp Genetics (formerly Invitae), Labcorp
Classification: Uncertain significance. Last evaluated: 2024-02-10. Review status: criteria provided, single submitter. Criteria: Invitae Variant Classification Sherloc (09022015). Collection method: clinical testing. Allele origin: germline.
Comment: This sequence change replaces arginine, which is basic and polar, with histidine, which is basic and polar, at codon 3789 of the KMT2A protein (p.Arg3789His). This variant is not present in population databases (gnomAD no frequency). This variant has not been reported in the literature in individuals affected with KMT2A-related conditions. ClinVar contains an entry for this variant (Variation ID: 1709299). Advanced modeling of protein sequence and biophysical properties (such as structural, functional, and spatial information, amino acid conservation, physicochemical variation, residue mobility, and thermodynamic stability) has been performed at Invitae for this missense variant, however the output from this modeling did not meet the statistical confidence thresholds required to predict the impact of this variant on KMT2A protein function. In summary, the available evidence is currently insufficient to determine the role of this variant in disease. Therefore, it has been classified as a Variant of Uncertain Significance.

MGZ Medical Genetics Center
Classification: Uncertain significance for Wiedemann-Steiner syndrome. Last evaluated: 2022-05-02. Review status: criteria provided, single submitter. Criteria: ACMG Guidelines, 2015. Collection method: clinical testing. Allele origin: germline. Affected: yes. Observed: 1 variant allele.
Comment: ACMG criteria applied: PM2_SUP, PP2, PP3

NM_001197104.2(KMT2A):c.11366G>A (p.Arg3789His)

Genes: KMT2A (lysine methyltransferase 2A; plus strand), TTC36-AS1 (TTC36 and KMT2A antisense RNA 1; minus strand). Cytogenetic location: 11q23.3.
Variant type: single nucleotide variant.
Coding change: c.11366G>A on transcript NM_001197104.2 (MANE Select); coding-DNA position 11366, G replaced by A.
Protein change: p.Arg3789His; replaces arginine 3789 with histidine.
Molecular consequence: missense variant.
Genome position (GRCh38, 1-based): chr11:118,520,001, G>A. VCF-style: chr11-118520001-G-A. GRCh37 (hg19) VCF-style: chr11-118390716-G-A.
Other names: c.11357G>A, p.Arg3786His (NM_005933.4); short protein forms R3786H, R3789H.
Identifiers: ClinVar variation 1709299 (VCV001709299.6), dbSNP rs1555052977, ClinGen allele CA382833520.
Genomic context (GRCh38, chr11:118,520,001, plus strand): 5'-AATCTTTTGGCCCCAGGAAGTCAGCATTTGACATGTTTAACTTCCTGGCTTCTAAACATC[G>A]TCAGCCTCCTGAATACAACCCCAATGATGAAGAAGAGGAGGAGGTACAGCTGAAGTCAGC-3'
Protein context (NP_001184033.1, residues 3779-3799): DMFNFLASKH[Arg3789His]QPPEYNPNDE